The following is an entry in ClinVar:

NM_002778.4(PSAP):c.121G>A (p.Asp41Asn)

Gene: PSAP (prosaposin; minus strand). Cytogenetic location: 10q22.1.
Variant type: single nucleotide variant.
Coding change: c.121G>A on transcript NM_002778.4 (MANE Select); coding-DNA position 121, G replaced by A.
Protein change: p.Asp41Asn; replaces aspartic acid 41 with asparagine.
Molecular consequence: missense variant.
Genome position (GRCh38, 1-based): chr10:71,834,425, C>T on the plus strand (G>A on the coding strand, the complement: PSAP is on the minus strand). VCF-style: chr10-71834425-C-T. GRCh37 (hg19) VCF-style: chr10-73594182-C-T.
Other names: c.121G>A, p.Asp41Asn (NM_001042465.3, NM_001042466.3); c.121G>A (NM_002778.2); short protein forms D41N.
Identifiers: ClinVar variation 2202074 (VCV002202074.2), dbSNP rs376639872, ClinGen allele CA209471919.

ClinVar aggregate classification (germline): Uncertain significance. Review status: criteria provided, multiple submitters, no conflicts (2 of 4 stars). 2 submissions from 2 submitters: Uncertain significance (2). Last evaluated 2025-08-23.

Conditions:
Sphingolipid activator protein 1 deficiency. Also called: Metachromatic leukodystrophy due to saposin B deficiency; Saposin B Deficiency; METACHROMATIC LEUKODYSTROPHY DUE TO CEREBROSIDE SULFATASE ACTIVATOR DEFICIENCY. Identifiers: Orphanet 512, MedGen C0268262, MONDO:0009590, OMIM 249900.
Inborn genetic diseases. Identifiers: MedGen C0950123, MeSH D030342.

Allele frequency attached by ClinVar (database versions not stated): gnomAD 0.00001; TOPMed 0.00001; ESP Exome Variant Server 0.00008.

Submissions (2):

Ambry Genetics
Classification: Uncertain significance for Inborn genetic diseases. Last evaluated: 2025-08-23. Review status: criteria provided, single submitter. Criteria: Ambry Variant Classification Scheme 2023. Collection method: clinical testing. Allele origin: germline.

Labcorp Genetics (formerly Invitae), Labcorp
Classification: Uncertain significance for Sphingolipid activator protein 1 deficiency. Last evaluated: 2022-03-12. Review status: criteria provided, single submitter. Criteria: Invitae Variant Classification Sherloc (09022015). Collection method: clinical testing. Allele origin: germline.
Comment: This sequence change replaces aspartic acid, which is acidic and polar, with asparagine, which is neutral and polar, at codon 41 of the PSAP protein (p.Asp41Asn). This variant is not present in population databases (gnomAD no frequency). This variant has not been reported in the literature in individuals affected with PSAP-related conditions. Algorithms developed to predict the effect of missense changes on protein structure and function are either unavailable or do not agree on the potential impact of this missense change (SIFT: "Not Available"; PolyPhen-2: "Benign"; Align-GVGD: "Not Available"). In summary, the available evidence is currently insufficient to determine the role of this variant in disease. Therefore, it has been classified as a Variant of Uncertain Significance.